The following is an entry in ClinVar:

ClinVar aggregate classification (germline): Uncertain significance (1 of 4 stars; one submission).

Conditions:
Inborn genetic diseases. Identifiers: MedGen C0950123, MeSH D030342.

Submission:

Ambry Genetics
Classification: Uncertain significance for Inborn genetic diseases. Last evaluated: 2023-03-30. Review status: criteria provided, single submitter. Criteria: Ambry Variant Classification Scheme 2023. Collection method: clinical testing. Allele origin: germline.
Comment: The p.H231P variant (also known as c.692A>C), located in coding exon 6 of the EPAS1 gene, results from an A to C substitution at nucleotide position 692. The histidine at codon 231 is replaced by proline, an amino acid with similar properties. This amino acid position is conserved. In addition, the in silico prediction for this alteration is inconclusive. Since supporting evidence is limited at this time, the clinical significance of this alteration remains unclear.

NM_001430.5(EPAS1):c.692A>C (p.His231Pro)

Genes: EPAS1 (endothelial PAS domain protein 1; plus strand), LOC126806210 (BRD4-independent group 4 enhancer GRCh37_chr2:46587586-46588785; plus strand). Cytogenetic location: 2p21.
Variant type: single nucleotide variant.
Coding change: c.692A>C on transcript NM_001430.5 (MANE Select); coding-DNA position 692, A replaced by C.
Protein change: p.His231Pro; replaces histidine 231 with proline.
Molecular consequence: missense variant.
Genome position (GRCh38, 1-based): chr2:46,361,003, A>C. VCF-style: chr2-46361003-A-C. GRCh37 (hg19) VCF-style: chr2-46588142-A-C.
Other names: short protein forms H231P.
Identifiers: ClinVar variation 2565048 (VCV002565048.2), dbSNP rs2103637091, ClinGen allele CA346700161.